The following is an entry in ClinVar:

ClinVar aggregate classification (germline): Uncertain significance (1 of 4 stars; one submission).

Submission:

GeneDx
Classification: Uncertain significance. Last evaluated: 2026-03-31. Review status: criteria provided, single submitter. Criteria: GeneDx Variant Classification Process June 2021. Collection method: clinical testing. Allele origin: germline.
Comment: Not observed at significant frequency in large population cohorts (gnomAD); In silico analysis supports that this missense variant has a deleterious effect on protein structure/function; Has not been previously published as pathogenic or benign to our knowledge

NM_001379110.1(SLC9A6):c.848T>C (p.Phe283Ser)

Gene: SLC9A6 (solute carrier family 9 member A6; plus strand). Cytogenetic location: Xq26.3.
Variant type: single nucleotide variant.
Coding change: c.848T>C on transcript NM_001379110.1 (MANE Select); coding-DNA position 848, T replaced by C.
Protein change: p.Phe283Ser; replaces phenylalanine 283 with serine.
Molecular consequence: missense variant.
Genome position (GRCh38, 1-based): chrX:136,010,546, T>C. VCF-style: chrX-136010546-T-C. GRCh37 (hg19) VCF-style: chrX-135092705-T-C.
Other names: c.848T>C, p.Phe283Ser (NM_001400909.1, NM_001400910.1, NM_001400911.1 and 2 more transcripts); c.752T>C, p.Phe251Ser (NM_001400913.1, NM_001330652.2); c.1004T>C, p.Phe335Ser (NM_001438742.1, NM_001042537.2); c.908T>C, p.Phe303Ser (NM_006359.3); short protein forms F251S, F283S, F303S, F335S.
Identifiers: ClinVar variation 5018053 (VCV005018053.1).
Genomic context (GRCh38, chrX:136,010,546, plus strand): 5'-TTGATGTCACAGCGATGTTCAAGTCTATTGGGATCTTCCTTGGAATCTTCAGTGGATCTT[T>C]TGCAATGGGTGCTGCTACTGGAGTGGTGACAGCTTTAATATCCTTTTGTTATATTTATCT-3'
Protein context (NP_001366039.1, residues 273-293): GIFLGIFSGS[Phe283Ser]AMGAATGVVT